The following is an entry in ClinVar:

ClinVar aggregate classification (germline): Uncertain significance (1 of 4 stars; one submission).

gnomAD v4.1: 135 of 1,611,782 alleles (0.0084%); highest among the groups gnomAD compares: Non-Finnish European, 0.011%; no homozygotes.

Submission:

Labcorp Genetics (formerly Invitae), Labcorp
Classification: Uncertain significance. Last evaluated: 2024-06-20. Review status: criteria provided, single submitter. Criteria: Invitae Variant Classification Sherloc (09022015). Collection method: clinical testing. Allele origin: germline.
Comment: This sequence change replaces glycine, which is neutral and non-polar, with arginine, which is basic and polar, at codon 207 of the IHH protein (p.Gly207Arg). This variant is present in population databases (rs148084426, gnomAD 0.007%). This variant has not been reported in the literature in individuals affected with IHH-related conditions. Advanced modeling of protein sequence and biophysical properties (such as structural, functional, and spatial information, amino acid conservation, physicochemical variation, residue mobility, and thermodynamic stability) performed at Invitae indicates that this missense variant is not expected to disrupt IHH protein function with a negative predictive value of 80%. In summary, the available evidence is currently insufficient to determine the role of this variant in disease. Therefore, it has been classified as a Variant of Uncertain Significance.

NM_002181.4(IHH):c.619G>C (p.Gly207Arg)

Gene: IHH (Indian hedgehog signaling molecule; minus strand). Cytogenetic location: 2q35.
Variant type: single nucleotide variant.
Coding change: c.619G>C on transcript NM_002181.4 (MANE Select); coding-DNA position 619, G replaced by C.
Protein change: p.Gly207Arg; replaces glycine 207 with arginine.
Molecular consequence: missense variant.
Genome position (GRCh38, 1-based): chr2:219,055,824, C>G on the plus strand (G>C on the coding strand, the complement: IHH is on the minus strand). VCF-style: chr2-219055824-C-G. GRCh37 (hg19) VCF-style: chr2-219920546-C-G.
Other names: short protein forms G207R.
Identifiers: ClinVar variation 3712704 (VCV003712704.2).
Genomic context (GRCh38, chr2:219,055,824, plus strand): 5'-CTCCCGGCCTCACGGCTGACAAGGCCACACGCGCCCCACTCTCCAGGCGTACCTGGGCTC[C>G]GGCAGGGAAGCAGCCGCCCGTCTTGGCTGCGGCCGAGTGCTCTGTGGGAGAAAGGGACAT-3'
Protein context (NP_002172.2, residues 197-217): AAKTGGCFPA[Gly207Arg]AQVRLESGAR